The following is an entry in ClinVar:

ClinVar aggregate classification (germline): Uncertain significance (1 of 4 stars; one submission).

Conditions:
Hereditary cancer-predisposing syndrome. Also called: Neoplastic Syndromes, Hereditary; Tumor predisposition; Hereditary Cancer Syndrome; Hereditary neoplastic syndrome. Identifiers: Orphanet 140162, MedGen C0027672, MeSH D009386, MONDO:0015356.

Submission:

Ambry Genetics
Classification: Uncertain significance for Hereditary cancer-predisposing syndrome. Last evaluated: 2021-05-11. Review status: criteria provided, single submitter. Criteria: Ambry Variant Classification Scheme 2023. Collection method: clinical testing. Allele origin: germline.
Comment: The c.2973+5T>C intronic variant results from a T to C substitution 5 nucleotides after coding exon 19 in the SMARCA4 gene. This nucleotide position is poorly conserved in available vertebrate species. In silico splice site analysis predicts that this alteration will not have any significant effect on splicing. Since supporting evidence is limited at this time, the clinical significance of this alteration remains unclear.

NM_003072.5(SMARCA4):c.2973+5T>C

Gene: SMARCA4 (SWI/SNF related BAF chromatin remodeling complex subunit ATPase 4; plus strand). Cytogenetic location: 19p13.2.
Variant type: single nucleotide variant.
Coding change: c.2973+5T>C on transcript NM_003072.5 (MANE Select); 5 bases into the intron after coding-DNA position 2973, T replaced by C.
Molecular consequence: intron variant.
Genome position (GRCh38, 1-based): chr19:11,023,636, T>C. VCF-style: chr19-11023636-T-C. GRCh37 (hg19) VCF-style: chr19-11134312-T-C.
Other names: c.2973+5T>C (NM_001128844.3, NM_001128849.3, NM_001128847.4 and 5 more transcripts).
Identifiers: ClinVar variation 1798303 (VCV001798303.2), dbSNP rs2146456114, ClinGen allele CA2580096316.